The following is an entry in ClinVar:

NM_138694.4(PKHD1):c.6211A>C (p.Asn2071His)

Gene: PKHD1 (PKHD1 ciliary IPT domain containing fibrocystin/polyductin; minus strand). Cytogenetic location: 6p12.2.
Variant type: single nucleotide variant.
Coding change: c.6211A>C on transcript NM_138694.4 (MANE Select); coding-DNA position 6211, A replaced by C.
Protein change: p.Asn2071His; replaces asparagine 2071 with histidine.
Molecular consequence: missense variant.
Genome position (GRCh38, 1-based): chr6:51,912,487, T>G on the plus strand (A>C on the coding strand, the complement: PKHD1 is on the minus strand). VCF-style: chr6-51912487-T-G. GRCh37 (hg19) VCF-style: chr6-51777285-T-G.
Other names: c.6211A>C, p.Asn2071His (NM_170724.3); short protein forms N2071H.
Identifiers: ClinVar variation 262408 (VCV000262408.39), dbSNP rs143832120, ClinGen allele CA3852313.

ClinVar aggregate classification (germline): Benign/Likely benign. Review status: criteria provided, multiple submitters, no conflicts (2 of 4 stars). 9 submissions from 9 submitters: Benign (2); Likely benign (5). 2 of the submissions do not count toward it. Last evaluated 2026-02-02.

Conditions:
Autosomal recessive polycystic kidney disease (ARPKD). Also called: AR polycystic kidney disease. Identifiers: Orphanet 731, Orphanet 8378, MedGen C0085548, MeSH D017044, MONDO:0009889.
Polycystic kidney disease. Also called: Kidney, Polycystic; Polycystic kidney dysplasia. Identifiers: MedGen C0022680, MeSH D007690, MONDO:0020642, HP:0000113.

Allele frequency attached by ClinVar (database versions not stated): gnomAD exomes 0.00129; ExAC 0.00145; gnomAD 0.00262 and 0.00271; TOPMed 0.00303; ESP Exome Variant Server 0.00354; 1000 Genomes Project 0.00459; 1000 Genomes Project 30x 0.00484.
gnomAD v4.1: 1,124 of 1,613,216 alleles (0.07%); highest among the groups gnomAD compares: African/African-American, 0.84%; 11 homozygotes.

Submissions (9):

Labcorp Genetics (formerly Invitae), Labcorp
Classification: Benign for Autosomal recessive polycystic kidney disease. Last evaluated: 2026-02-02. Review status: criteria provided, single submitter. Criteria: Invitae Variant Classification Sherloc (09022015). Collection method: clinical testing. Allele origin: germline.

CeGaT Center for Human Genetics Tuebingen
Classification: Likely benign. Last evaluated: 2024-12-01. Review status: criteria provided, single submitter. Criteria: CeGaT Center For Human Genetics Tuebingen Variant Classification Criteria Version 2. Collection method: clinical testing. Allele origin: germline. Affected: yes. Observed: 1 variant allele.
Comment: PKHD1: BP4, BS2

Blueprint Genetics
Classification: Likely benign. Last evaluated: 2024-10-07. Review status: criteria provided, single submitter. Criteria: ACMG Guidelines, 2015. Collection method: clinical testing. Allele origin: germline.

GeneDx
Classification: Likely benign. Last evaluated: 2020-11-18. Review status: criteria provided, single submitter. Criteria: GeneDx Variant Classification Process June 2021. Collection method: clinical testing. Allele origin: germline. Affected: yes.

Women's Health and Genetics/Laboratory Corporation of America, LabCorp
Classification: Likely benign. Last evaluated: 2020-11-02. Review status: criteria provided, single submitter. Criteria: LabCorp Variant Classification Summary - May 2015. Collection method: clinical testing. Allele origin: germline.
Comment: Variant summary: PKHD1 c.6211A>C (p.Asn2071His) results in a conservative amino acid change in the encoded protein sequence. Five of five in-silico tools predict a benign effect of the variant on protein function. The variant allele was found at a frequency of 0.0014 in 282594 control chromosomes, predominantly at a frequency of 0.0093 within the African or African-American subpopulation in the gnomAD database, including 2 homozygotes. The observed variant frequency within African or African-American control individuals in the gnomAD database is approximately 1.32 fold of the estimated maximal expected allele frequency for a pathogenic variant in PKHD1 causing Polycystic Kidney and Hepatic Disease phenotype (0.0071), strongly suggesting that the variant is a benign polymorphism found primarily in populations of African or African-American origin. To our knowledge, no occurrence of c.6211A>C in individuals affected with Polycystic Kidney and Hepatic Disease and no experimental evidence demonstrating its impact on protein function have been reported. Two ClinVar submitters (evaluation after 2014) cite the variant as benign. Based on the evidence outlined above, the variant was classified as likely benign.

Eurofins Ntd Llc (ga)
Classification: Benign. Last evaluated: 2016-09-26. Review status: criteria provided, single submitter. Criteria: EGL Classification Definitions 2015. Collection method: clinical testing. Allele origin: germline. Observed: 1 variant allele, 1 heterozygote.

PreventionGenetics, part of Exact Sciences
Classification: Likely benign. Review status: criteria provided, single submitter. Criteria: ACMG Guidelines, 2015. Collection method: clinical testing. Allele origin: germline.

Natera, Inc.
Classification: Benign for Autosomal recessive polycystic kidney disease. Last evaluated: 2017-05-11. Review status: no assertion criteria provided. Collection method: clinical testing. Allele origin: germline. Not counted in ClinVar's aggregate classification.

Department of Pathology and Laboratory Medicine, Sinai Health System
Classification: Likely benign for Polycystic Kidney disease. Review status: no assertion criteria provided. Collection method: clinical testing. Allele origin: unknown. Affected: yes. Observed: 1 variant allele. Study: The Canadian Open Genetics Repository (COGR). Not counted in ClinVar's aggregate classification.
Comment: The PKHD1 p.Asn2071His variant was not identified in the literature nor was it identified in the LOVD 3.0, RWTH AAachen University ARPKD databases. The variant was identified in dbSNP (ID: rs143832120) as â€šÃ„ÃºWith Likely benign alleleâ€šÃ„Ã¹, ClinVar (as likely benign by Prevention Genetics), and Clinvitae (1x as likely benign). The variant was also identified in control databases in 380 of 276894 chromosomes at a frequency of 0.001372 in the following populations: African in 212 (2 homozygous) of 24024 chromosomes (freq. 0.0088), Ashkenazi Jewish in 46 of 10144 chromosomes (freq. 0.0045), South Asian in 78 (2 homozyogous) of 30782 chromsomes (freq. 0.0025), Other in 9 of 34354 chromosomes (freq. 0.0014), Latino in 20 of 34354 chromosomes (freq. 0.0006), and European (Non-Finnish) in 15 of 126500 chromosomes (freq. 0.0001), increasing the likelihood this could be a low frequency benign variant (Genome Aggregation Consortium Feb 27, 2017). The p.Asn2071 residue is not conserved in mammals and the variant amino acid histidine (His) is present in many species including chimpanzees, macaques, dogs, and horses, increasing the likelihood that this variant does not have clinical significance. In addition, computational analyses (PolyPhen-2, SIFT, AlignGVGD, BLOSUM, MutationTaster) do not suggest a high likelihood of impact to the protein; however, this information is not predictive enough to rule out pathogenicity. The variant occurs outside of the splicing consensus sequence and in silico or computational prediction software programs (SpliceSiteFinder, MaxEntScan, NNSPLICE, GeneSplicer, HumanSpliceFinder) do not predict a difference in splicing. In summary, based on the above information this variant meets our laboratory criteria to be classified as likely benign.